The following is an entry in ClinVar:

ClinVar aggregate classification (germline): Conflicting classifications of pathogenicity. Review status: criteria provided, conflicting classifications (1 of 4 stars). 10 submissions from 9 submitters: Pathogenic (1); Likely pathogenic (4); Uncertain significance (3). 2 of the submissions do not count toward it. Last evaluated 2025-11-14.

Conditions:
G6PD-related disorder. Also called: G6PD-related condition.
Anemia, nonspherocytic hemolytic, due to G6PD deficiency (CNSHA1). Also called: Hemolytic anemia due to G6PD deficiency; ANEMIA, CONGENITAL, NONSPHEROCYTIC HEMOLYTIC, 1; Class I glucose-6-phosphate dehydrogenase deficiency; Favism, susceptibility to. Identifiers: Orphanet 466026, MedGen C2720289, MONDO:0010480, OMIM 300908.
G6PD PAWNEE.

Submissions (10):

Women's Health and Genetics/Laboratory Corporation of America, LabCorp
Classification: Uncertain significance. Last evaluated: 2025-11-14. Review status: criteria provided, single submitter. Criteria: LabCorp Variant Classification Summary - May 2015. Collection method: clinical testing. Allele origin: germline.
Comment: Variant summary: G6PD c.1406G>C (p.Arg469Pro), also described as G6PD Pawnee, results in a non-conservative amino acid change in the encoded protein sequence. Algorithms developed to predict the effect of missense changes on protein structure and function all suggest that this variant is likely to be disruptive. The variant was absent in 182441 control chromosomes. The available data on variant occurrences in the general population are insufficient to allow any conclusion about variant significance. c.1406G>C has been observed in individual(s) affected with Glucose 6 Phosphate Dehydrogenase Deficiency (Beutler_1992). These data do not allow any conclusion about variant significance. To our knowledge, no experimental evidence demonstrating an impact on protein function has been reported. The following publications have been ascertained in the context of this evaluation (PMID: 1611091, 30206300). ClinVar contains an entry for this variant (Variation ID: 10399). Based on the evidence outlined above, the variant was classified as uncertain significance.

Labcorp Genetics (formerly Invitae), Labcorp
Classification: Uncertain significance for Anemia, nonspherocytic hemolytic, due to G6PD deficiency. Last evaluated: 2025-08-18. Review status: criteria provided, single submitter. Criteria: Invitae Variant Classification Sherloc (09022015). Collection method: clinical testing. Allele origin: germline.
Comment: This sequence change replaces arginine, which is basic and polar, with proline, which is neutral and non-polar, at codon 439 of the G6PD protein (p.Arg439Pro). This variant is not present in population databases (gnomAD no frequency). This missense change has been observed in individual(s) with clinical features of G6PD defiency (PMID: 1611091). This variant is also known as the Pawnee variant. ClinVar contains an entry for this variant (Variation ID: 10399). Invitae Evidence Modeling of protein sequence and biophysical properties (such as structural, functional, and spatial information, amino acid conservation, physicochemical variation, residue mobility, and thermodynamic stability) indicates that this missense variant is expected to disrupt G6PD protein function with a positive predictive value of 95%. In summary, the available evidence is currently insufficient to determine the role of this variant in disease. Therefore, it has been classified as a Variant of Uncertain Significance.

PreventionGenetics, part of Exact Sciences
Classification: Likely pathogenic for G6PD-related condition. Last evaluated: 2025-04-21. Review status: criteria provided, single submitter. Criteria: ACMG Guidelines, 2015. Collection method: clinical testing. Allele origin: germline.
Comment: The G6PD c.1316G>C variant is predicted to result in the amino acid substitution p.Arg439Pro. This variant was reported in an individual with Glucose-6-phosphate dehydrogenase deficiency (Beutler et al. 1992. PubMed ID: 1611091). This variant is reported to result in severe enzyme deficiency (Table 1, reported as "Pawnee", Beutler. 1990. PubMed ID: 2190319). This variant has not been reported in a large population database (gnomAD), indicating this variant is rare. This variant is interpreted as likely pathogenic.

Revvity Omics, Revvity
Classification: Likely pathogenic for Anemia, nonspherocytic hemolytic, due to G6PD deficiency. Last evaluated: 2024-09-23. Review status: criteria provided, single submitter. Criteria: ACMG Guidelines, 2015. Collection method: clinical testing. Allele origin: germline.

GeneDx
Classification: Uncertain significance. Last evaluated: 2023-11-14. Review status: criteria provided, single submitter. Criteria: GeneDx Variant Classification Process June 2021. Collection method: clinical testing. Allele origin: germline. Affected: yes.
Comment: Identified in individuals with features of G6PD deficiency and described as the Pawnee variant (PMID: 1611091); Not observed at significant frequency in large population cohorts (gnomAD); In silico analysis supports that this missense variant has a deleterious effect on protein structure/function; This variant is associated with the following publications: (PMID: 30206300, 2190319, 22293322, 1611091)

Dunham Lab, University of Washington
Classification: Likely pathogenic for Anemia, nonspherocytic hemolytic, due to G6PD deficiency. Last evaluated: 2022-08-12. Review status: criteria provided, single submitter. Criteria: Bayesian ACMG Guidelines, 2018. Collection method: curation. Allele origin: unknown. Affected: yes.
Comment: Decreased activity in red blood cells (7%) (PS3). Not found in gnomAD (PM2). Reported as pathogenic by clinical testing group (PP5). Post_P 0.975 (odds of pathogenicity 350.3, Prior_P 0.1).

ARUP Laboratories, Molecular Genetics and Genomics, ARUP Laboratories
Classification: Likely pathogenic. Last evaluated: 2017-07-23. Review status: criteria provided, single submitter. Criteria: ARUP Molecular Germline Variant Investigation Process. Collection method: clinical testing. Allele origin: germline.

Eurofins Ntd Llc (ga)
Classification: Pathogenic. Last evaluated: 2017-01-06. Review status: criteria provided, single submitter. Criteria: EGL Classification Definitions 2015. Collection method: clinical testing. Allele origin: germline. Observed: 2 variant alleles, 1 homozygote, 1 hemizygote.

OMIM
Classification: other for G6PD PAWNEE. Last evaluated: 2024-10-11. Review status: no assertion criteria provided. Collection method: literature only. Allele origin: germline. Not counted in ClinVar's aggregate classification.

OMIM
Classification: Pathogenic for ANEMIA, CONGENITAL, NONSPHEROCYTIC HEMOLYTIC, 1. Last evaluated: 2024-10-11. Review status: no assertion criteria provided. Collection method: literature only. Allele origin: germline. Not counted in ClinVar's aggregate classification.

Literature cited by the submitters: PubMed 1611091 (cited by 3 submitters); PubMed 30206300 (cited by Women's Health and Genetics/Laboratory Corporation of America, LabCorp); PubMed 6344088 (cited by OMIM).

NM_000402.4(G6PD):c.1406G>C (p.Arg469Pro)

Gene: G6PD (glucose-6-phosphate dehydrogenase; minus strand). Cytogenetic location: Xq28.
Variant type: single nucleotide variant.
Coding change: c.1406G>C on transcript NM_000402.4; coding-DNA position 1406, G replaced by C.
Protein change: p.Arg469Pro; replaces arginine 469 with proline.
Molecular consequence: missense variant.
Genome position (GRCh38, 1-based): chrX:154,532,434, C>G on the plus strand (G>C on the coding strand, the complement: G6PD is on the minus strand). VCF-style: chrX-154532434-C-G. GRCh37 (hg19) VCF-style: chrX-153760649-C-G.
Other names: G6PD, ARG439PRO; G6PD Pawnee; c.1316G>C, p.Arg439Pro (NM_001042351.3, NM_001360016.2); c.1316G>C (NM_001042351.1, NM_001042351.2); short protein forms R439P, R469P.
Identifiers: ClinVar variation 10399 (VCV000010399.23), dbSNP rs137852337, ClinGen allele CA121012.